The following is an entry in ClinVar:

NM_000637.5(GSR):c.595G>A (p.Ala199Thr)

Gene: GSR (glutathione-disulfide reductase; minus strand). Cytogenetic location: 8p12.
Variant type: single nucleotide variant.
Coding change: c.595G>A on transcript NM_000637.5 (MANE Select); coding-DNA position 595, G replaced by A.
Protein change: p.Ala199Thr; replaces alanine 199 with threonine.
Molecular consequence: missense variant.
Genome position (GRCh38, 1-based): chr8:30,703,138, C>T on the plus strand (G>A on the coding strand, the complement: GSR is on the minus strand). VCF-style: chr8-30703138-C-T. GRCh37 (hg19) VCF-style: chr8-30560655-C-T.
Other names: p.Ala199Thr; c.595G>A, p.Ala199Thr (NM_001195102.3, NM_001195103.3, NM_001195104.3); short protein forms A199T.
Identifiers: ClinVar variation 730931 (VCV000730931.10), dbSNP rs141805635, ClinGen allele CA4701478.

ClinVar aggregate classification (germline): Conflicting classifications of pathogenicity. Review status: criteria provided, conflicting classifications (1 of 4 stars). 2 submissions from 2 submitters: Uncertain significance (1); Benign (1). Last evaluated 2025-06-03.

Allele frequency attached by ClinVar (database versions not stated): TOPMed 0.00035; ESP Exome Variant Server 0.00054; 1000 Genomes Project 30x 0.00078; 1000 Genomes Project 0.00100; gnomAD exomes 0.00210 and 0.00430; ExAC 0.00343; gnomAD 0.00672.

Submissions (2):

Labcorp Genetics (formerly Invitae), Labcorp
Classification: Benign. Last evaluated: 2025-06-03. Review status: criteria provided, single submitter. Criteria: Invitae Variant Classification Sherloc (09022015). Collection method: clinical testing. Allele origin: germline.

Mayo Clinic Laboratories, Mayo Clinic
Classification: Uncertain significance. Last evaluated: 2024-10-18. Review status: criteria provided, single submitter. Criteria: ACMG Guidelines, 2015. Collection method: clinical testing. Allele origin: germline. Observed: 2 variant alleles.
Comment: BS1

Literature cited by the submitters: PubMed 35361806 (cited by Mayo Clinic Laboratories, Mayo Clinic).